The following is an entry in ClinVar:

NM_000343.4(SLC5A1):c.*1203A>G

Gene: SLC5A1 (solute carrier family 5 member 1; plus strand). Cytogenetic location: 22q12.3.
Variant type: single nucleotide variant.
Coding change: c.*1203A>G on transcript NM_000343.4 (MANE Select); 1203 bases downstream of the stop codon, A replaced by G.
Molecular consequence: 3 prime UTR variant.
Genome position (GRCh38, 1-based): chr22:32,111,416, A>G. VCF-style: chr22-32111416-A-G. GRCh37 (hg19) VCF-style: chr22-32507403-A-G.
Other names: NC_000022.10:g.32507403A>G; c.*1203A>G (NM_001256314.2).
Identifiers: ClinVar variation 899808 (VCV000899808.5), dbSNP rs149444431, ClinGen allele CA323390257.

ClinVar aggregate classification (germline): Likely benign (1 of 4 stars; one submission).

Conditions:
Congenital glucose-galactose malabsorption (GGM). Also called: MONOSACCHARIDE MALABSORPTION; DIARRHEA 16. Identifiers: Orphanet 35710, MedGen C0268186, MONDO:0011731, OMIM 606824.

Allele frequency attached by ClinVar (database versions not stated): 1000 Genomes Project 30x 0.00312; 1000 Genomes Project 0.00339; TOPMed 0.00666; gnomAD 0.00724 and 0.00762.

Submissions (2):

Illumina Laboratory Services, Illumina
Classification: Likely benign for Congenital glucose-galactose malabsorption. Last evaluated: 2018-01-12. Review status: criteria provided, single submitter. Criteria: ICSL Variant Classification Criteria 13 December 2019. Collection method: clinical testing. Allele origin: germline.
Comment: This variant was observed in the ICSL laboratory as part of a predisposition screen in an ostensibly healthy population. It had not been previously curated by ICSL or reported in the Human Gene Mutation Database (HGMD: prior to June 1st, 2018), and was therefore a candidate for classification through an automated scoring system. Utilizing variant allele frequency, disease prevalence and penetrance estimates, and inheritance mode, an automated score was calculated to assess if this variant is too frequent to cause the disease. Based on the score and internal cut-off values, a variant classified as likely benign is not then subjected to further curation. The score for this variant resulted in a classification of likely benign for this disease.

Dr. Peter K. Rogan Lab, Western University
No classification provided (evidence only). Condition: Ovarian serous cystadenocarcinoma. Review status: no classification provided. Collection method: in vitro. Allele origin: not applicable. Functional consequence: retained intron. Not counted in ClinVar's aggregate classification.